The following is an entry in ClinVar:

NM_004100.5(EYA4):c.1221_1225del (p.Arg408fs)

Genes: TARID (TCF21 antisense RNA inducing promoter demethylation; minus strand), EYA4 (EYA transcriptional coactivator and phosphatase 4; plus strand), LOC126859796 (MED14-independent group 3 enhancer GRCh37_chr6:133826289-133827488; plus strand). Cytogenetic location: 6q23.2.
Variant type: Deletion.
Coding change: c.1221_1225del on transcript NM_004100.5 (MANE Select); coding-DNA positions 1221 to 1225, 5 bases deleted (CCGCA; older notation c.1221_1225delCCGCA).
Protein change: p.Arg408fs; shifts the reading frame from arginine 408.
Molecular consequence: frameshift variant. On other transcripts: non-coding transcript variant (1).
Genome position (GRCh38, 1-based): chr6:133,506,135-133,506,139, CCGCA deleted. VCF-style (leftmost placement, unchanged base first): chr6-133506134-TCCGCA-T. GRCh37 (hg19) VCF-style: chr6-133827272-TCCGCA-T.
Other names: c.1059_1063del, p.Arg354fs (NM_001301012.2); c.1239_1243del, p.Arg414fs (NM_001301013.2); c.1152_1156del, p.Arg385fs (NM_001370458.1, NM_172103.4); c.1077_1081del, p.Arg360fs (NM_001370459.1); c.1221_1225del, p.Arg408fs (NM_172105.4); short protein forms R354fs, R408fs, R414fs, R360fs, R385fs.
Identifiers: ClinVar variation 572508 (VCV000572508.7), dbSNP rs1562498114, ClinGen allele CA891842621.

ClinVar aggregate classification (germline): Pathogenic (1 of 4 stars; one submission).

Conditions:
Dilated cardiomyopathy 1J (CMD1J). Also called: CARDIOMYOPATHY, DILATED, WITH SENSORINEURAL HEARING LOSS, AUTOSOMAL DOMINANT. Identifiers: Orphanet 217622, MedGen C1854368, MONDO:0011541, OMIM 605362.

Submission:

Labcorp Genetics (formerly Invitae), Labcorp
Classification: Pathogenic for Dilated cardiomyopathy 1J. Last evaluated: 2018-03-27. Review status: criteria provided, single submitter. Criteria: Invitae Variant Classification Sherloc (09022015). Collection method: clinical testing. Allele origin: germline.
Comment: This sequence change creates a premature translational stop signal (p.Arg408Glyfs*6) in the EYA4 gene. It is expected to result in an absent or disrupted protein product. This variant is not present in population databases (ExAC no frequency). This variant has not been reported in the literature in individuals with EYA4-related disease. Loss-of-function variants in EYA4 are known to be pathogenic (PMID: 11159937, 25781927, 25963406). For these reasons, this variant has been classified as Pathogenic.

Literature cited by the submitters: PubMed 11159937; PubMed 25781927; PubMed 25963406.